The following is an entry in ClinVar:

NM_170662.5(CBLB):c.-14-1G>T

Gene: CBLB (Cbl proto-oncogene B; minus strand). Cytogenetic location: 3q13.11.
Variant type: single nucleotide variant.
Coding change: c.-14-1G>T on transcript NM_170662.5 (MANE Select); the canonical splice acceptor site of the intron before 14 bases upstream of the start codon, G replaced by T.
Molecular consequence: splice acceptor variant.
Genome position (GRCh38, 1-based): chr3:105,867,592, C>A on the plus strand (G>T on the coding strand, the complement: CBLB is on the minus strand). VCF-style: chr3-105867592-C-A. GRCh37 (hg19) VCF-style: chr3-105586436-C-A.
Other names: NC_000003.11:g.105586436C>A; c.53-1G>T (NM_001321790.2); c.-14-1G>T (NM_001321796.2, NM_001321797.2, NM_001321794.2 and 6 more transcripts); c.-637-1G>T (NM_001321806.2, NM_001321816.2, NM_001321811.2); c.-938-1G>T (NM_001321808.2, NM_001321807.2); c.-1510-1G>T (NM_001321820.2); c.-1393-1G>T (NM_001321822.2); c.71-1G>T (NM_001321786.1, NM_001321789.1).
Identifiers: ClinVar variation 135508 (VCV000135508.2), dbSNP rs55944080, ClinGen allele CA162963.

ClinVar aggregate classification (germline): not provided (0 of 4 stars; one submission).

Allele frequency attached by ClinVar (database versions not stated): 1000 Genomes Project 0.00040; gnomAD exomes 0.00011 and 0.00035; gnomAD 0.00013 and 0.00009; 1000 Genomes Project 30x 0.00031; ExAC 0.00039; TOPMed 0.00027.
gnomAD v4.1: 178 of 1,613,662 alleles (0.011%); highest among the groups gnomAD compares: East Asian, 0.37%; 2 homozygotes.

Submissions (3):

ITMI
No classification provided. Condition: AllHighlyPenetrant. Last evaluated: 2013-09-19. Review status: no classification provided. Collection method: reference population. Allele origin: germline.
Comment: Please see associated publication for description of ethnicities

Dr. Peter K. Rogan Lab, Western University
No classification provided (evidence only). Condition: Hepatocellular carcinoma. Review status: no classification provided. Collection method: in vitro. Allele origin: not applicable. Functional consequence: retained intron. Not counted in ClinVar's aggregate classification.

Dr. Peter K. Rogan Lab, Western University
No classification provided (evidence only). Condition: Hepatocellular carcinoma. Review status: no classification provided. Collection method: in vitro. Allele origin: not applicable. Functional consequence: retained intron. Not counted in ClinVar's aggregate classification.

Literature cited by the submitters: PubMed 24728327 (cited by ITMI).